The following is an entry in ClinVar:

NM_006302.3(MOGS):c.1560C>T (p.Ala520=)

Gene: MOGS (mannosyl-oligosaccharide glucosidase; minus strand). Cytogenetic location: 2p13.1.
Variant type: single nucleotide variant.
Coding change: c.1560C>T on transcript NM_006302.3 (MANE Select); coding-DNA position 1560, C replaced by T.
Protein change: p.Ala520=; no amino-acid change (alanine 520 retained).
Molecular consequence: synonymous variant.
Genome position (GRCh38, 1-based): chr2:74,462,229, G>A on the plus strand (C>T on the coding strand, the complement: MOGS is on the minus strand). VCF-style: chr2-74462229-G-A. GRCh37 (hg19) VCF-style: chr2-74689356-G-A.
Other names: c.1242C>T, p.Ala414= (NM_001146158.2).
Identifiers: ClinVar variation 5039280 (VCV005039280.1).

ClinVar aggregate classification (germline): Likely benign (1 of 4 stars; one submission).

Submission:

CeGaT Center for Human Genetics Tuebingen
Classification: Likely benign. Last evaluated: 2026-07-01. Review status: criteria provided, single submitter. Criteria: CeGaT Center For Human Genetics Tuebingen Variant Classification Criteria Version 2. Collection method: clinical testing. Allele origin: germline. Affected: yes. Observed: 1 variant allele.
Comment: MOGS: BP4, BP7